The following is an entry in ClinVar:

NM_198129.4(LAMA3):c.9352-2A>G

Gene: LAMA3 (laminin subunit alpha 3; plus strand). Cytogenetic location: 18q11.2.
Variant type: single nucleotide variant.
Coding change: c.9352-2A>G on transcript NM_198129.4 (MANE Select); the canonical splice acceptor site of the intron before coding-DNA position 9352, A replaced by G.
Molecular consequence: splice acceptor variant.
Genome position (GRCh38, 1-based): chr18:23,949,763, A>G. VCF-style: chr18-23949763-A-G. GRCh37 (hg19) VCF-style: chr18-21529727-A-G.
Other names: c.9184-2A>G (NM_001127717.4); c.4525-2A>G (NM_000227.6); c.4357-2A>G (NM_001127718.4).
Identifiers: ClinVar variation 934556 (VCV000934556.8), dbSNP rs2082838403, ClinGen allele CA402051506.

ClinVar aggregate classification (germline): Likely pathogenic (1 of 4 stars; one submission).

Submission:

Labcorp Genetics (formerly Invitae), Labcorp
Classification: Likely pathogenic. Last evaluated: 2019-09-19. Review status: criteria provided, single submitter. Criteria: Invitae Variant Classification Sherloc (09022015). Collection method: clinical testing. Allele origin: germline.
Comment: This variant is not present in population databases (ExAC no frequency). This sequence change affects an acceptor splice site in intron 33 of the LAMA3 gene. It is expected to disrupt RNA splicing and likely results in an absent or disrupted protein product. This variant has not been reported in the literature in individuals with LAMA3-related conditions. Algorithms developed to predict the effect of sequence changes on RNA splicing suggest that this variant may disrupt the consensus splice site, but this prediction has not been confirmed by published transcriptional studies. Donor and acceptor splice site variants typically lead to a loss of protein function (PMID: 16199547), and loss-of-function variants in LAMA3 are known to be pathogenic (PMID: 10366601, 11810295, 12915477, 16473856, 17362460, 23869449, 28087116). In summary, the currently available evidence indicates that the variant is pathogenic, but additional data are needed to prove that conclusively. Therefore, this variant has been classified as Likely Pathogenic.

Literature cited by the submitters: PubMed 16199547; PubMed 10366601; PubMed 11810295; PubMed 12915477; PubMed 16473856; PubMed 17362460; PubMed 23869449; PubMed 28087116.